The following is an entry in ClinVar:

NM_001102659.3(FAM237A):c.321C>T (p.Leu107=)

Gene: FAM237A (family with sequence similarity 237 member A; plus strand). Cytogenetic location: 2q33.3.
Variant type: single nucleotide variant.
Coding change: c.321C>T on transcript NM_001102659.3 (MANE Select); coding-DNA position 321, C replaced by T.
Protein change: p.Leu107=; no amino-acid change (leucine 107 retained).
Molecular consequence: synonymous variant.
Genome position (GRCh38, 1-based): chr2:206,644,557, C>T. VCF-style: chr2-206644557-C-T. GRCh37 (hg19) VCF-style: chr2-207509281-C-T.
Identifiers: ClinVar variation 2651841 (VCV002651841.24), dbSNP rs145915292, ClinGen allele CA2073652.
Genomic context (GRCh38, chr2:206,644,557, plus strand): 5'-TGGAGCACTGTTTTGGGATCTGGCCCAACTCTTCTGGGACATCTATGTGGACTGTGTGCT[C>T]TCTAGGAACCATGGCTTAGGAAGGAGGCAATTGGTTGGAGAGGAAGAGAAAATCTCAGCA-3'
Protein context (NP_001096129.1, residues 97-117): LFWDIYVDCV[Leu107=]SRNHGLGRRQ

ClinVar aggregate classification (germline): Likely benign (1 of 4 stars; one submission).

Allele frequency attached by ClinVar (database versions not stated): 1000 Genomes Project 0.00140; TOPMed 0.00156; gnomAD 0.00170; ESP Exome Variant Server 0.00186; 1000 Genomes Project 30x 0.00187.
gnomAD v4.1: 3,852 of 1,613,772 alleles (0.24%); highest among the groups gnomAD compares: Non-Finnish European, 0.28%; 5 homozygotes.

Submission:

CeGaT Center for Human Genetics Tuebingen
Classification: Likely benign. Last evaluated: 2022-03-01. Review status: criteria provided, single submitter. Criteria: CeGaT Center For Human Genetics Tuebingen Variant Classification Criteria Version 2. Collection method: clinical testing. Allele origin: germline. Affected: yes. Observed: 1 variant allele.
Comment: FAM237A: BP4, BP7